The following is an entry in ClinVar:

NM_001759.4(CCND2):c.*21GA[3]

Gene: CCND2 (cyclin D2; plus strand). Cytogenetic location: 12p13.32.
Variant type: Microsatellite.
Coding change: c.*21GA[3] on transcript NM_001759.4 (MANE Select); three copies in a row of the 2-base unit GA starting at c.*21; the reference has four copies in a row; one copy, 2 bases deleted.
Molecular consequence: 3 prime UTR variant.
Genome position (GRCh38, 1-based): chr12:4,300,036-4,300,037, GA deleted; deleting any 2 consecutive bases within chr12:4,300,029-4,300,037 gives the same sequence; the position shown is the placement nearest the transcript's 3' end. VCF-style (leftmost placement, unchanged base first): chr12-4300028-AAG-A. GRCh37 (hg19) VCF-style: chr12-4409194-AAG-A.
Identifiers: ClinVar variation 2642582 (VCV002642582.24), dbSNP rs71534272, ClinGen allele CA6395349.

ClinVar aggregate classification (germline): Likely benign (1 of 4 stars; one submission).

Submission:

CeGaT Center for Human Genetics Tuebingen
Classification: Likely benign. Last evaluated: 2026-02-01. Review status: criteria provided, single submitter. Criteria: CeGaT Center For Human Genetics Tuebingen Variant Classification Criteria Version 2. Collection method: clinical testing. Allele origin: germline. Affected: yes. Observed: 11 variant alleles.
Comment: CCND2: BS1